The following is an entry in ClinVar:

NM_001005361.3(DNM2):c.1451C>G (p.Ser484Cys)

Gene: DNM2 (dynamin 2; plus strand). Cytogenetic location: 19p13.2.
Variant type: single nucleotide variant.
Coding change: c.1451C>G on transcript NM_001005361.3 (MANE Select); coding-DNA position 1451, C replaced by G.
Protein change: p.Ser484Cys; replaces serine 484 with cysteine.
Molecular consequence: missense variant.
Genome position (GRCh38, 1-based): chr19:10,802,316, C>G. VCF-style: chr19-10802316-C-G. GRCh37 (hg19) VCF-style: chr19-10912992-C-G.
Other names: c.1451C>G, p.Ser484Cys (NM_001005360.3, NM_001005362.3, NM_001190716.2 and 1 more transcripts); short protein forms S484C.
Identifiers: ClinVar variation 1507216 (VCV001507216.6), dbSNP rs2146061357, ClinGen allele CA404049763.

ClinVar aggregate classification (germline): Uncertain significance (1 of 4 stars; one submission).

Conditions:
Charcot-Marie-Tooth disease dominant intermediate B (CMTDIB). Also called: CHARCOT-MARIE-TOOTH NEUROPATHY, DOMINANT INTERMEDIATE B; Charcot-Marie-Tooth disease dominant intermediate 1; CMT DI1; Charcot-Marie-Tooth disease dominant intermediate I. Identifiers: Orphanet 100044, Orphanet 228179, MedGen C1847902, MONDO:0011674, OMIM 606482.

Submission:

Labcorp Genetics (formerly Invitae), Labcorp
Classification: Uncertain significance for Charcot-Marie-Tooth disease dominant intermediate B. Last evaluated: 2021-09-13. Review status: criteria provided, single submitter. Criteria: Invitae Variant Classification Sherloc (09022015). Collection method: clinical testing. Allele origin: germline.
Comment: In summary, the available evidence is currently insufficient to determine the role of this variant in disease. Therefore, it has been classified as a Variant of Uncertain Significance. Algorithms developed to predict the effect of missense changes on protein structure and function are either unavailable or do not agree on the potential impact of this missense change (SIFT: "Deleterious"; PolyPhen-2: "Probably Damaging"; Align-GVGD: "Class C15"). This variant has not been reported in the literature in individuals affected with DNM2-related conditions. This variant is not present in population databases (ExAC no frequency). This sequence change replaces serine with cysteine at codon 484 of the DNM2 protein (p.Ser484Cys). The serine residue is moderately conserved and there is a moderate physicochemical difference between serine and cysteine.